The following is an entry in ClinVar:

NM_173598.6(KSR2):c.549C>T (p.Cys183=)

Gene: KSR2 (kinase suppressor of ras 2; minus strand). Cytogenetic location: 12q24.23.
Variant type: single nucleotide variant.
Coding change: c.549C>T on transcript NM_173598.6 (MANE Select); coding-DNA position 549, C replaced by T.
Protein change: p.Cys183=; no amino-acid change (cysteine 183 retained).
Molecular consequence: synonymous variant.
Genome position (GRCh38, 1-based): chr12:117,761,448, G>A on the plus strand (C>T on the coding strand, the complement: KSR2 is on the minus strand). VCF-style: chr12-117761448-G-A. GRCh37 (hg19) VCF-style: chr12-118199253-G-A.
Identifiers: ClinVar variation 4979147 (VCV004979147.1).

ClinVar aggregate classification (germline): Likely benign (1 of 4 stars; one submission).

Conditions:
KSR2-related disorder. Also called: KSR2-related condition.

gnomAD v4.1: 11 of 1,612,840 alleles (0.00068%); highest among the groups gnomAD compares: South Asian, 0.0011%; no homozygotes.

Submission:

PreventionGenetics, part of Exact Sciences
Classification: Likely benign for KSR2-related condition. Last evaluated: 2026-08-18. Review status: criteria provided, single submitter. Criteria: ACMG Guidelines, 2015. Collection method: clinical testing. Allele origin: germline.
Comment: This variant is classified as likely benign based on ACMG/AMP sequence variant interpretation guidelines (Richards et al. 2015 PMID: 25741868, with internal and published modifications).